The following is an entry in ClinVar:

NM_001374385.1(ATP8B1):c.280-2A>G

Gene: ATP8B1 (ATPase phospholipid transporting 8B1; minus strand). Cytogenetic location: 18q21.31.
Variant type: single nucleotide variant.
Coding change: c.280-2A>G on transcript NM_001374385.1 (MANE Select); the canonical splice acceptor site of the intron before coding-DNA position 280, A replaced by G.
Molecular consequence: splice acceptor variant.
Genome position (GRCh38, 1-based): chr18:57,704,670, T>C on the plus strand (A>G on the coding strand, the complement: ATP8B1 is on the minus strand). VCF-style: chr18-57704670-T-C. GRCh37 (hg19) VCF-style: chr18-55371902-T-C.
Other names: c.280-2A>G (NM_005603.6); c.130-2A>G (NM_001374386.1).
Identifiers: ClinVar variation 4846365 (VCV004846365.1).

ClinVar aggregate classification (germline): Likely pathogenic (1 of 4 stars; one submission).

Conditions:
Familial intrahepatic cholestasis. Identifiers: Orphanet 284385, MedGen CN296401, MONDO:0017290.

Submission:

Genomenon, Inc
Classification: Likely pathogenic for Familial intrahepatic cholestasis. Last evaluated: 2026-04-14. Review status: criteria provided, single submitter. Criteria: Genomenon Sequence Variant Interpretation Standards - Updated. Collection method: curation. Allele origin: germline. Affected: yes.
Comment: ATP8B1 c.280-2A>G is a canonical splice variant affecting the acceptor splice site of intron 3. This variant has been observed in at least one proband with features of ATP8B1-deficiency (PMID:15239083). At least one splicing study demonstrated this variant results in aberrant splicing (PMID:25421123). It is absent or not present at a significant frequency in gnomAD. In conclusion, we classify ATP8B1 c.280-2A>G as a likely pathogenic variant.

Literature cited by the submitters: PubMed 15239083; PubMed 25421123.